The following is an entry in ClinVar:

NM_001042492.3(NF1):c.7989dup (p.Lys2664Ter)

Gene: NF1 (neurofibromin 1; plus strand). Cytogenetic location: 17q11.2.
Variant type: Duplication.
Coding change: c.7989dup on transcript NM_001042492.3 (MANE Select); coding-DNA position 7989, one base duplicated (T; older notation c.7989dupT).
Protein change: p.Lys2664Ter; replaces lysine 2664 with a stop codon.
Molecular consequence: nonsense. On other transcripts: frameshift variant (1).
Genome position (GRCh38, 1-based): chr17:31,358,498, T duplicated. VCF-style (leftmost placement, unchanged base first): chr17-31358497-C-CT. GRCh37 (hg19) VCF-style: chr17-29685515-C-CT.
Other names: c.7926dup, p.Lys2643Terfs (NM_000267.4); c.7926dupT (NM_000267.3); short protein forms K2643*, K2664*.
Identifiers: ClinVar variation 527531 (VCV000527531.14), dbSNP rs1555536882, ClinGen allele CA645572290.

ClinVar aggregate classification (germline): Pathogenic. Review status: criteria provided, multiple submitters, no conflicts (2 of 4 stars). 4 submissions from 4 submitters: Pathogenic (4). Last evaluated 2025-04-25.

Conditions:
Cardiovascular phenotype. Identifiers: MedGen CN230736.
Hereditary cancer-predisposing syndrome. Also called: Hereditary neoplastic syndrome; Tumor predisposition; Neoplastic Syndromes, Hereditary; Hereditary Cancer Syndrome. Identifiers: Orphanet 140162, MedGen C0027672, MeSH D009386, MONDO:0015356.
Neurofibromatosis, type 1 (NF1). Also called: Peripheral type neurofibromatosis; NEUROFIBROMATOSIS, TYPE I, SOMATIC; Neurofibromatosis, type I; VON RECKLINGHAUSEN DISEASE. Identifiers: Orphanet 636, MedGen C0027831, MONDO:0018975, OMIM 162200. Disease mechanism: loss of function.
NF1-related disorder. Also called: NF1-related condition. Identifiers: MedGen CN379171.

Submissions (4):

Ambry Genetics
Classification: Pathogenic for Cardiovascular phenotype; Hereditary cancer-predisposing syndrome. Last evaluated: 2025-04-25. Review status: criteria provided, single submitter. Criteria: Ambry Variant Classification Scheme 2023. Collection method: clinical testing. Allele origin: germline.
Comment: The c.7926dupT pathogenic mutation, located in coding exon 54 of the NF1 gene, results from a duplication of T at nucleotide position 7926, causing a translational frameshift with a predicted alternate stop codon (p.K2643*). This alteration was identified in one individual from a cohort of 521 German and Turkish patients with a clinical diagnosis of neurofibromatosis type I (Fahsold R et al. Am J Hum Genet, 2000 Mar;66:790-818). This variant is considered to be rare based on population cohorts in the Genome Aggregation Database (gnomAD). In addition to the clinical data presented in the literature, this alteration is expected to result in loss of function by premature protein truncation or nonsense-mediated mRNA decay. As such, this alteration is interpreted as a disease-causing mutation.

Labcorp Genetics (formerly Invitae), Labcorp
Classification: Pathogenic for Neurofibromatosis, type 1. Last evaluated: 2024-02-05. Review status: criteria provided, single submitter. Criteria: Invitae Variant Classification Sherloc (09022015). Collection method: clinical testing. Allele origin: germline.
Comment: This sequence change creates a premature translational stop signal (p.Lys2643*) in the NF1 gene. It is expected to result in an absent or disrupted protein product. Loss-of-function variants in NF1 are known to be pathogenic (PMID: 10712197, 23913538). This variant is not present in population databases (gnomAD no frequency). This premature translational stop signal has been observed in individual(s) with neurofibromatosis type 1 (PMID: 10712197, 22155606). This variant is also known as 7926insT. ClinVar contains an entry for this variant (Variation ID: 527531). For these reasons, this variant has been classified as Pathogenic.

Blueprint Genetics
Classification: Pathogenic for NF1-related disorders. Last evaluated: 2023-04-06. Review status: criteria provided, single submitter. Criteria: ACMG Guidelines, 2015. Collection method: clinical testing. Allele origin: germline. Affected: yes. Observed: 1 variant allele.

Juno Genomics, Hangzhou Juno Genomics, Inc
Classification: Pathogenic for Neurofibromatosis, type 1. Review status: criteria provided, single submitter. Criteria: ACMG Guidelines, 2015. Collection method: clinical testing. Allele origin: germline. Affected: yes.
Comment: Absent from controls (or at extremely low frequency if recessive) in Genome Aggregation Database, Exome Sequencing Project, 1000 Genomes Project, or Exome Aggregation Consortium.;Null variant in a gene where loss of function (LOF) is a known mechanism of disease.;The prevalence of the variant in affected individuals is significantly increased compared to the prevalence in controls.;Assumed de novo, but without confirmation of paternity and maternity.;Patient's phenotype or family history is highly specific for a disease with a single genetic etiology.

Literature cited by the submitters: PubMed 10712197 (cited by Ambry Genetics and Labcorp Genetics (formerly Invitae), Labcorp); PubMed 23913538 (cited by Labcorp Genetics (formerly Invitae), Labcorp); PubMed 22155606 (cited by Labcorp Genetics (formerly Invitae), Labcorp).